The following is an entry in ClinVar:

ClinVar aggregate classification (germline): Benign/Likely benign. Review status: criteria provided, multiple submitters, no conflicts (2 of 4 stars). 2 submissions from 2 submitters: Benign (1); Likely benign (1). Last evaluated 2026-01-31.

Allele frequency attached by ClinVar (database versions not stated): gnomAD exomes 0.00091; ExAC 0.00115; 1000 Genomes Project 30x 0.00250; 1000 Genomes Project 0.00260; gnomAD 0.00355 and 0.00386; TOPMed 0.00377; ESP Exome Variant Server 0.00446.
gnomAD v4.1: 1,146 of 1,551,748 alleles (0.074%); highest among the groups gnomAD compares: African/African-American, 1.2%; 9 homozygotes.

Submissions (2):

Labcorp Genetics (formerly Invitae), Labcorp
Classification: Benign. Last evaluated: 2026-01-31. Review status: criteria provided, single submitter. Criteria: Invitae Variant Classification Sherloc (09022015). Collection method: clinical testing. Allele origin: germline.

CeGaT Center for Human Genetics Tuebingen
Classification: Likely benign. Last evaluated: 2025-04-01. Review status: criteria provided, single submitter. Criteria: CeGaT Center For Human Genetics Tuebingen Variant Classification Criteria Version 2. Collection method: clinical testing. Allele origin: germline. Affected: yes. Observed: 1 variant allele.
Comment: ENSG00000272909: BS1

NM_005956.4(MTHFD1):c.1885-20C>T

Gene: MTHFD1 (methylenetetrahydrofolate dehydrogenase, cyclohydrolase and formyltetrahydrofolate synthetase 1; plus strand). Cytogenetic location: 14q23.3.
Variant type: single nucleotide variant.
Coding change: c.1885-20C>T on transcript NM_005956.4 (MANE Select); 20 bases into the intron before coding-DNA position 1885, C replaced by T.
Molecular consequence: intron variant.
Genome position (GRCh38, 1-based): chr14:64,442,034, C>T. VCF-style: chr14-64442034-C-T. GRCh37 (hg19) VCF-style: chr14-64908752-C-T.
Other names: c.1885-20C>T (NM_001364837.1).
Identifiers: ClinVar variation 1165462 (VCV001165462.16), dbSNP rs188584698, ClinGen allele CA7226425.
Genomic context (GRCh38, chr14:64,442,034, plus strand): 5'-TCAATTCCATACCGTTGAATGTGTGATCCCACTTTGAAGCAGGATTGGCAGCTCAGCTCA[C>T]GGTGTCCTGGTTTCCACAGGGCACTCCAGTGTTTGTCCATGCTGGCCCGTTTGCCAACAT-3'